The following is an entry in ClinVar:

ClinVar aggregate classification (germline): Uncertain significance. Review status: criteria provided, multiple submitters, no conflicts (2 of 4 stars). 2 submissions from 2 submitters: Uncertain significance (2). Last evaluated 2024-08-08.

Conditions:
Hereditary cancer-predisposing syndrome. Also called: Tumor predisposition; Hereditary neoplastic syndrome; Neoplastic Syndromes, Hereditary; Hereditary Cancer Syndrome. Identifiers: Orphanet 140162, MedGen C0027672, MeSH D009386, MONDO:0015356.
Parathyroid carcinoma (PRTC). Also called: Parathyroid gland carcinoma; CDC73-Related Parathyroid Carcinoma. Identifiers: Orphanet 143, MedGen C0687150, MONDO:0012004, OMIM 608266, HP:0006780.

Submissions (2):

Labcorp Genetics (formerly Invitae), Labcorp
Classification: Uncertain significance for Parathyroid carcinoma. Last evaluated: 2024-08-08. Review status: criteria provided, single submitter. Criteria: Invitae Variant Classification Sherloc (09022015). Collection method: clinical testing. Allele origin: germline.
Comment: This sequence change replaces tryptophan, which is neutral and slightly polar, with cysteine, which is neutral and slightly polar, at codon 492 of the CDC73 protein (p.Trp492Cys). This variant is not present in population databases (gnomAD no frequency). This variant has not been reported in the literature in individuals affected with CDC73-related conditions. ClinVar contains an entry for this variant (Variation ID: 1494025). Advanced modeling of protein sequence and biophysical properties (such as structural, functional, and spatial information, amino acid conservation, physicochemical variation, residue mobility, and thermodynamic stability) performed at Invitae indicates that this missense variant is expected to disrupt CDC73 protein function with a positive predictive value of 80%. In summary, the available evidence is currently insufficient to determine the role of this variant in disease. Therefore, it has been classified as a Variant of Uncertain Significance.

Ambry Genetics
Classification: Uncertain significance for Hereditary cancer-predisposing syndrome. Last evaluated: 2023-05-31. Review status: criteria provided, single submitter. Criteria: Ambry Variant Classification Scheme 2023. Collection method: clinical testing. Allele origin: germline.
Comment: The p.W492C variant (also known as c.1476G>C), located in coding exon 16 of the CDC73 gene, results from a G to C substitution at nucleotide position 1476. The tryptophan at codon 492 is replaced by cysteine, an amino acid with highly dissimilar properties. This amino acid position is conserved. In addition, this alteration is predicted to be deleterious by in silico analysis. Since supporting evidence is limited at this time, the clinical significance of this alteration remains unclear.

NM_024529.5(CDC73):c.1476G>C (p.Trp492Cys)

Gene: CDC73 (cell division cycle 73; plus strand). Cytogenetic location: 1q31.2.
Variant type: single nucleotide variant.
Coding change: c.1476G>C on transcript NM_024529.5 (MANE Select); coding-DNA position 1476, G replaced by C.
Protein change: p.Trp492Cys; replaces tryptophan 492 with cysteine.
Molecular consequence: missense variant.
Genome position (GRCh38, 1-based): chr1:193,249,788, G>C. VCF-style: chr1-193249788-G-C. GRCh37 (hg19) VCF-style: chr1-193218918-G-C.
Other names: c.1476G>C (NM_024529.4); short protein forms W492C.
Identifiers: ClinVar variation 1494025 (VCV001494025.10), dbSNP rs2102073392, ClinGen allele CA344078467.